The following is an entry in ClinVar:

ClinVar aggregate classification (germline): Conflicting classifications of pathogenicity. Review status: criteria provided, conflicting classifications (1 of 4 stars). 8 submissions from 7 submitters: Uncertain significance (2); Benign (1); Likely benign (3). 2 of the submissions do not count toward it. Last evaluated 2025-12-29.

Conditions:
Rhizomelic chondrodysplasia punctata type 1 (RCDP1). Also called: CHONDRODYSTROPHIA CALCIFICANS PUNCTATA; PEROXISOME BIOGENESIS DISORDER 9; PEX7-Related Rhizomelic Chondrodysplasia Punctata. Identifiers: Orphanet 177, Orphanet 309789, MedGen C1859133, MONDO:0008972, OMIM 215100. Disease mechanism: loss of function.
PEX7-related disorder. Also called: PEX7-related condition; PEX7-related disorders. Identifiers: MedGen CN239409.
Refsum disease, classic. Also called: HEREDOPATHIA ATACTICA POLYNEURITIFORMIS; HMSN IV; PHYTANIC ACID OXIDASE DEFICIENCY; PHYH-Related Refsum Disease. Identifiers: Orphanet 773, MedGen C5780941, MONDO:1060256, OMIM 266500. Disease mechanism: loss of function.
Peroxisome biogenesis disorder 9B. Also called: PEROXISOME BIOGENESIS DISORDER, PEX7-RELATED, ATYPICAL; PEX7-Related Refsum Disease; Refsum disease, adult, 2. Identifiers: Orphanet 773, MedGen C2749346, MONDO:0013945, OMIM 614879.

Allele frequency attached by ClinVar (database versions not stated): TOPMed 0.00009; 1000 Genomes Project 30x 0.00094; gnomAD exomes 0.00025; ExAC 0.00027; 1000 Genomes Project 0.00100; gnomAD 0.00020 and 0.00011.
gnomAD v4.1: 256 of 1,614,020 alleles (0.016%); highest among the groups gnomAD compares: East Asian, 0.45%; no homozygotes.

Submissions (8):

Labcorp Genetics (formerly Invitae), Labcorp
Classification: Likely benign for Peroxisome biogenesis disorder 9B. Last evaluated: 2025-12-29. Review status: criteria provided, single submitter. Criteria: Invitae Variant Classification Sherloc (09022015). Collection method: clinical testing. Allele origin: germline.

Blueprint Genetics
Classification: Likely benign. Last evaluated: 2024-02-16. Review status: criteria provided, single submitter. Criteria: ACMG Guidelines, 2015. Collection method: clinical testing. Allele origin: germline.

Fulgent Genetics
Classification: Uncertain significance for Rhizomelic chondrodysplasia punctata type 1; Refsum disease, classic; Peroxisome biogenesis disorder 9B. Last evaluated: 2018-10-31. Review status: criteria provided, single submitter. Criteria: ACMG Guidelines, 2015. Collection method: clinical testing. Allele origin: unknown.

Illumina Laboratory Services, Illumina
Classification: Benign for Peroxisome biogenesis disorder 9B. Last evaluated: 2017-04-27. Review status: criteria provided, single submitter. Criteria: ICSL Variant Classification Criteria 13 December 2019. Collection method: clinical testing. Allele origin: germline.
Comment: This variant was observed as part of a predisposition screen in an ostensibly healthy population. A literature search was performed for the gene, cDNA change, and amino acid change (where applicable). No publications were found based on this search. Allele frequency data from public databases was too high to be consistent with this variant causing disease. Therefore, this variant is classified as benign.

Illumina Laboratory Services, Illumina
Classification: Likely benign for Rhizomelic chondrodysplasia punctata type 1. Last evaluated: 2017-04-27. Review status: criteria provided, single submitter. Criteria: ICSL Variant Classification Criteria 13 December 2019. Collection method: clinical testing. Allele origin: germline.
Comment: This variant was observed as part of a predisposition screen in an ostensibly healthy population. A literature search was performed for the gene, cDNA change, and amino acid change (where applicable). No publications were found based on this search. Allele frequency data from public databases allowed determination this variant is unlikely to cause disease. Therefore, this variant is classified as likely benign.

Eurofins Ntd Llc (ga)
Classification: Uncertain significance. Last evaluated: 2017-04-04. Review status: criteria provided, single submitter. Criteria: EGL Classification Definitions 2015. Collection method: clinical testing. Allele origin: germline. Observed: 2 variant alleles, 2 heterozygotes.

PreventionGenetics, part of Exact Sciences
Classification: Likely benign for PEX7-related condition. Last evaluated: 2024-06-10. Review status: no assertion criteria provided. Collection method: clinical testing. Allele origin: germline. Not counted in ClinVar's aggregate classification.
Comment: This variant is classified as likely benign based on ACMG/AMP sequence variant interpretation guidelines (Richards et al. 2015 PMID: 25741868, with internal and published modifications).

Natera, Inc.
Classification: Likely benign for Rhizomelic chondrodysplasia punctata type 1. Last evaluated: 2020-06-02. Review status: no assertion criteria provided. Collection method: clinical testing. Allele origin: germline. Not counted in ClinVar's aggregate classification.

NM_000288.4(PEX7):c.695G>A (p.Arg232Gln)

Gene: PEX7 (peroxisomal biogenesis factor 7; plus strand). Cytogenetic location: 6q23.3.
Variant type: single nucleotide variant.
Coding change: c.695G>A on transcript NM_000288.4 (MANE Select); coding-DNA position 695, G replaced by A.
Protein change: p.Arg232Gln; replaces arginine 232 with glutamine.
Molecular consequence: missense variant.
Genome position (GRCh38, 1-based): chr6:136,869,951, G>A. VCF-style: chr6-136869951-G-A. GRCh37 (hg19) VCF-style: chr6-137191089-G-A.
Other names: short protein forms R232Q.
Identifiers: ClinVar variation 500853 (VCV000500853.24), dbSNP rs191969418, ClinGen allele CA4017697.